The following is an entry in ClinVar:

NM_014049.5(ACAD9):c.1333G>A (p.Gly445Ser)

Gene: ACAD9 (acyl-CoA dehydrogenase family member 9; plus strand). Cytogenetic location: 3q21.3.
Variant type: single nucleotide variant.
Coding change: c.1333G>A on transcript NM_014049.5 (MANE Select); coding-DNA position 1333, G replaced by A.
Protein change: p.Gly445Ser; replaces glycine 445 with serine.
Molecular consequence: missense variant. On other transcripts: non-coding transcript variant (1).
Genome position (GRCh38, 1-based): chr3:128,908,239, G>A. VCF-style: chr3-128908239-G-A. GRCh37 (hg19) VCF-style: chr3-128627082-G-A.
Other names: c.964G>A, p.Gly322Ser (NM_001410805.1); c.1333G>A (NM_014049.4); short protein forms G322S, G445S.
Identifiers: ClinVar variation 2165999 (VCV002165999.2), dbSNP rs557090109, ClinGen allele CA2601504.

ClinVar aggregate classification (germline): Uncertain significance. Review status: criteria provided, multiple submitters, no conflicts (2 of 4 stars). 2 submissions from 2 submitters: Uncertain significance (2). Last evaluated 2023-04-21.

Allele frequency attached by ClinVar (database versions not stated): gnomAD exomes 0.00001; TOPMed 0.00001; ExAC 0.00003; gnomAD 0.00003.
gnomAD v4.1: 20 of 1,614,156 alleles (0.0012%); highest among the groups gnomAD compares: Admixed American, 0.0033%; no homozygotes.

Submissions (2):

GeneDx
Classification: Uncertain significance. Last evaluated: 2023-04-21. Review status: criteria provided, single submitter. Criteria: GeneDx Variant Classification Process June 2021. Collection method: clinical testing. Allele origin: germline. Affected: yes.
Comment: Not observed at significant frequency in large population cohorts (gnomAD); In silico analysis supports that this missense variant has a deleterious effect on protein structure/function; Has not been previously published as pathogenic or benign to our knowledge

Labcorp Genetics (formerly Invitae), Labcorp
Classification: Uncertain significance. Last evaluated: 2022-05-05. Review status: criteria provided, single submitter. Criteria: Invitae Variant Classification Sherloc (09022015). Collection method: clinical testing. Allele origin: germline.
Comment: This sequence change replaces glycine, which is neutral and non-polar, with serine, which is neutral and polar, at codon 445 of the ACAD9 protein (p.Gly445Ser). This variant is present in population databases (rs557090109, gnomAD 0.006%). This variant has not been reported in the literature in individuals affected with ACAD9-related conditions. Advanced modeling of protein sequence and biophysical properties (such as structural, functional, and spatial information, amino acid conservation, physicochemical variation, residue mobility, and thermodynamic stability) performed at Invitae indicates that this missense variant is expected to disrupt ACAD9 protein function. In summary, the available evidence is currently insufficient to determine the role of this variant in disease. Therefore, it has been classified as a Variant of Uncertain Significance.